The following is an entry in ClinVar:

NM_031844.3(HNRNPU):c.2347A>C (p.Asn783His)

Gene: HNRNPU (heterogeneous nuclear ribonucleoprotein U; minus strand). Cytogenetic location: 1q44.
Variant type: single nucleotide variant.
Coding change: c.2347A>C on transcript NM_031844.3 (MANE Select); coding-DNA position 2347, A replaced by C.
Protein change: p.Asn783His; replaces asparagine 783 with histidine.
Molecular consequence: missense variant.
Genome position (GRCh38, 1-based): chr1:244,855,429, T>G on the plus strand (A>C on the coding strand, the complement: HNRNPU is on the minus strand). VCF-style: chr1-244855429-T-G. GRCh37 (hg19) VCF-style: chr1-245018731-T-G.
Other names: c.2290A>C, p.Asn764His (NM_004501.3); short protein forms N783H, N764H.
Identifiers: ClinVar variation 2006251 (VCV002006251.4), dbSNP rs925350951, ClinGen allele CA345486805.
Genomic context (GRCh38, chr1:244,855,429, plus strand): 5'-TTTCCAGACTAAGCTACAGTTATCAATCATGCTTCCAGGGATCTTGAATCATTACCTGGT[T>G]GTAGTTCCCTCTGTTGGGCATTCCACCTCTGTTGTAGTTCCCTCTGTTTGAGTAACTACC-3'
Protein context (NP_114032.2, residues 773-793): RGGMPNRGNY[Asn783His]QNFRGRGNNR

ClinVar aggregate classification (germline): Uncertain significance (1 of 4 stars; one submission).

Conditions:
Developmental and epileptic encephalopathy, 54. Also called: HNRNPU-Related Neurodevelopmental Disorder; Epileptic encephalopathy, early infantile, 54. Identifiers: MedGen C4479319, MONDO:0033363, OMIM 617391.

Submission:

Labcorp Genetics (formerly Invitae), Labcorp
Classification: Uncertain significance for Developmental and epileptic encephalopathy, 54. Last evaluated: 2022-06-14. Review status: criteria provided, single submitter. Criteria: Invitae Variant Classification Sherloc (09022015). Collection method: clinical testing. Allele origin: germline.
Comment: In summary, the available evidence is currently insufficient to determine the role of this variant in disease. Therefore, it has been classified as a Variant of Uncertain Significance. Algorithms developed to predict the effect of missense changes on protein structure and function are either unavailable or do not agree on the potential impact of this missense change (SIFT: "Tolerated"; PolyPhen-2: "Not Available"; Align-GVGD: "Class C0"). This variant has not been reported in the literature in individuals affected with HNRNPU-related conditions. This variant is not present in population databases (gnomAD no frequency). This sequence change replaces asparagine, which is neutral and polar, with histidine, which is basic and polar, at codon 783 of the HNRNPU protein (p.Asn783His).